The following is an entry in ClinVar:

ClinVar aggregate classification (germline): Likely benign. Review status: criteria provided, single submitter (1 of 4 stars). 2 submissions from 2 submitters: Likely benign (1). 1 of the submissions does not count toward it. Last evaluated 2026-07-01.

Conditions:
GOSR2-related disorder. Also called: GOSR2-related condition; GOSR2-related disorders.

Allele frequency attached by ClinVar (database versions not stated): gnomAD 0.00001; gnomAD exomes 0.00001; ExAC 0.00004; TOPMed 0.00006.
gnomAD v4.1: 27 of 1,613,200 alleles (0.0017%); highest among the groups gnomAD compares: East Asian, 0.04%; no homozygotes.

Submissions (2):

CeGaT Center for Human Genetics Tuebingen
Classification: Likely benign. Last evaluated: 2026-07-01. Review status: criteria provided, single submitter. Criteria: CeGaT Center For Human Genetics Tuebingen Variant Classification Criteria Version 2. Collection method: clinical testing. Allele origin: germline. Affected: yes. Observed: 1 variant allele.
Comment: GOSR2: BP4, BP7

PreventionGenetics, part of Exact Sciences
Classification: Likely benign for GOSR2-related condition. Last evaluated: 2019-08-12. Review status: no assertion criteria provided. Collection method: clinical testing. Allele origin: germline. Not counted in ClinVar's aggregate classification.
Comment: This variant is classified as likely benign based on ACMG/AMP sequence variant interpretation guidelines (Richards et al. 2015 PMID: 25741868, with internal and published modifications).

NM_004287.5(GOSR2):c.477+27G>A

Genes: GOSR2 (golgi SNAP receptor complex member 2; plus strand), LRRC37A2 (leucine rich repeat containing 37 member A2). Cytogenetic location: 17q21.32.
Variant type: single nucleotide variant.
Coding change: c.477+27G>A on transcript NM_004287.5 (MANE Select); 27 bases into the intron after coding-DNA position 477, G replaced by A.
Molecular consequence: intron variant. On other transcripts: synonymous variant (1).
Genome position (GRCh38, 1-based): chr17:46,935,196, G>A. VCF-style: chr17-46935196-G-A. GRCh37 (hg19) VCF-style: chr17-45012562-G-A.
Other names: c.504G>A, p.Glu168= (NM_001012511.3); c.477+27G>A (NM_001321133.2, NM_054022.4); c.423+27G>A (NM_001363851.2); c.282+2997G>A (NM_001321134.2); c.336+2997G>A (NM_001330252.2); c.474+27G>A (NM_001353114.2); c.333+2997G>A (NM_001353115.2, NM_001353116.2).
Identifiers: ClinVar variation 3035142 (VCV003035142.3), dbSNP rs747207425, ClinGen allele CA8621304.